The following is an entry in ClinVar:

NM_005105.5(RBM8A):c.67+93A>T

Genes: LIX1L-AS1 (LIX1L antisense RNA 1; plus strand), RBM8A (RNA binding motif protein 8A; minus strand), LOC126805851 (MED14-independent group 3 enhancer GRCh37_chr1:145507474-145508673; plus strand). Cytogenetic location: 1q21.1.
Variant type: single nucleotide variant.
Coding change: c.67+93A>T on transcript NM_005105.5 (MANE Select); 93 bases into the intron after coding-DNA position 67, A replaced by T.
Molecular consequence: intron variant. On other transcripts: non-coding transcript variant (1).
Genome position (GRCh38, 1-based): chr1:145,927,267, T>A on the plus strand (A>T on the coding strand, the complement: RBM8A is on the minus strand). VCF-style: chr1-145927267-T-A. GRCh37 (hg19) VCF-style: chr1-145507826-A-T.
Other names: rs872786.
Identifiers: ClinVar variation 111276 (VCV000111276.9), dbSNP rs872786, ClinGen allele CA249786.

ClinVar aggregate classification (germline): Benign. Review status: criteria provided, multiple submitters, no conflicts (2 of 4 stars). 3 submissions from 3 submitters: Benign (2). 1 of the submissions does not count toward it. Last evaluated 2019-04-20.

Allele frequency attached by ClinVar (database versions not stated): 1000 Genomes Project 30x 0.28170; TOPMed 0.28329; 1000 Genomes Project 0.28874; gnomAD 0.29287 and 0.29852; gnomAD exomes 0.37249.

Submissions (3):

GeneDx
Classification: Benign. Last evaluated: 2019-04-20. Review status: criteria provided, single submitter. Criteria: GeneDx Variant Classification Process June 2021. Collection method: clinical testing. Allele origin: germline. Affected: yes.

Breakthrough Genomics
Classification: Benign. Review status: criteria provided, single submitter. Criteria: ACMG Guidelines, 2015. Collection method: not provided. Allele origin: germline. Inheritance: Autosomal recessive inheritance. Affected: yes.

Genomic Research Center, Shahid Beheshti University of Medical Sciences
Classification: Benign. Last evaluated: 2022-12-24. Review status: no assertion criteria provided. Collection method: not provided. Allele origin: inherited. Not counted in ClinVar's aggregate classification.
ClinVar note: Converted during submission from non-pathogenic to Benign.